The following is an entry in ClinVar:

NM_006648.4(WNK2):c.879G>A (p.Met293Ile)

Gene: WNK2 (WNK lysine deficient protein kinase 2; plus strand). Cytogenetic location: 9q22.31.
Variant type: single nucleotide variant.
Coding change: c.879G>A on transcript NM_006648.4 (MANE Select); coding-DNA position 879, G replaced by A.
Protein change: p.Met293Ile; replaces methionine 293 with isoleucine.
Molecular consequence: missense variant.
Genome position (GRCh38, 1-based): chr9:93,230,912, G>A. VCF-style: chr9-93230912-G-A. GRCh37 (hg19) VCF-style: chr9-95993194-G-A.
Other names: c.879G>A, p.Met293Ile (NM_001282394.3); short protein forms M293I.
Identifiers: ClinVar variation 3982125 (VCV003982125.1).
Genomic context (GRCh38, chr9:93,230,912, plus strand): 5'-AGCTGCTTGGTGAGCTGTGCCCGTGAACCCCTGCAGATACCTGAAGCGGTTCAAGGTGAT[G>A]AAGCCCAAGGTTCTCCGCAGCTGGTGCCGGCAGATCCTGAAGGGCCTGCTGTTCCTGCAC-3'
Protein context (NP_006639.3, residues 283-303): LKTYLKRFKV[Met293Ile]KPKVLRSWCR

ClinVar aggregate classification (germline): Uncertain significance (1 of 4 stars; one submission).

Submission:

Ambry Genetics
Classification: Uncertain significance. Last evaluated: 2025-05-27. Review status: criteria provided, single submitter. Criteria: Ambry Variant Classification Scheme 2023. Collection method: clinical testing. Allele origin: germline.
Comment: The p.M293I variant (also known as c.879G>A), located in coding exon 3 of the WNK2 gene, results from a G to A substitution at nucleotide position 879. The methionine at codon 293 is replaced by isoleucine, an amino acid with highly similar properties. This amino acid position is conserved. In addition, the in silico prediction for this alteration is inconclusive. Based on the available evidence, the clinical significance of this variant remains unclear.